The following is an entry in ClinVar:

NM_001378452.1(ITPR1):c.929C>T (p.Thr310Met)

Gene: ITPR1 (inositol 1,4,5-trisphosphate receptor type 1; plus strand). Cytogenetic location: 3p26.1.
Variant type: single nucleotide variant.
Coding change: c.929C>T on transcript NM_001378452.1 (MANE Select); coding-DNA position 929, C replaced by T.
Protein change: p.Thr310Met; replaces threonine 310 with methionine.
Molecular consequence: missense variant.
Genome position (GRCh38, 1-based): chr3:4,652,196, C>T. VCF-style: chr3-4652196-C-T. GRCh37 (hg19) VCF-style: chr3-4693880-C-T.
Other names: c.929C>T, p.Thr310Met (NM_001099952.4, NM_001168272.2, NM_002222.7); short protein forms T310M.
Identifiers: ClinVar variation 995128 (VCV000995128.15), dbSNP rs201693219, ClinGen allele CA2231018.

ClinVar aggregate classification (germline): Conflicting classifications of pathogenicity. Review status: criteria provided, conflicting classifications (1 of 4 stars). 5 submissions from 5 submitters: Uncertain significance (4); Likely benign (1). Last evaluated 2025-08-01.

Conditions:
Inborn genetic diseases. Identifiers: MedGen C0950123, MeSH D030342.

Allele frequency attached by ClinVar (database versions not stated): gnomAD exomes 0.00003 and 0.00004; ExAC 0.00004; gnomAD 0.00004; TOPMed 0.00006; ESP Exome Variant Server 0.00024.
gnomAD v4.1: 55 of 1,612,088 alleles (0.0034%); highest among the groups gnomAD compares: East Asian, 0.0089%; no homozygotes.

Submissions (5):

CeGaT Center for Human Genetics Tuebingen
Classification: Likely benign. Last evaluated: 2025-08-01. Review status: criteria provided, single submitter. Criteria: CeGaT Center For Human Genetics Tuebingen Variant Classification Criteria Version 2. Collection method: clinical testing. Allele origin: germline. Affected: yes. Observed: 1 variant allele.
Comment: ITPR1: PP3, BS2

Labcorp Genetics (formerly Invitae), Labcorp
Classification: Uncertain significance. Last evaluated: 2025-05-17. Review status: criteria provided, single submitter. Criteria: Invitae Variant Classification Sherloc (09022015). Collection method: clinical testing. Allele origin: germline.
Comment: This sequence change replaces threonine, which is neutral and polar, with methionine, which is neutral and non-polar, at codon 310 of the ITPR1 protein (p.Thr310Met). This variant is present in population databases (rs201693219, gnomAD 0.02%). This variant has not been reported in the literature in individuals affected with ITPR1-related conditions. ClinVar contains an entry for this variant (Variation ID: 995128). Invitae Evidence Modeling of protein sequence and biophysical properties (such as structural, functional, and spatial information, amino acid conservation, physicochemical variation, residue mobility, and thermodynamic stability) indicates that this missense variant is expected to disrupt ITPR1 protein function with a positive predictive value of 95%. In summary, the available evidence is currently insufficient to determine the role of this variant in disease. Therefore, it has been classified as a Variant of Uncertain Significance.

Ambry Genetics
Classification: Uncertain significance for Inborn genetic diseases. Last evaluated: 2023-11-09. Review status: criteria provided, single submitter. Criteria: Ambry Variant Classification Scheme 2023. Collection method: clinical testing. Allele origin: germline.

GeneDx
Classification: Uncertain significance. Last evaluated: 2022-11-22. Review status: criteria provided, single submitter. Criteria: GeneDx Variant Classification Process June 2021. Collection method: clinical testing. Allele origin: germline. Affected: yes.
Comment: In silico analysis supports that this missense variant has a deleterious effect on protein structure/function; Has not been previously published as pathogenic or benign to our knowledge

Athena Diagnostics
Classification: Uncertain significance. Last evaluated: 2019-12-09. Review status: criteria provided, single submitter. Criteria: Athena Diagnostics Criteria. Collection method: clinical testing. Allele origin: unknown.